The following is an entry in ClinVar:

ClinVar aggregate classification (germline): Likely benign. Review status: criteria provided, single submitter (1 of 4 stars). 2 submissions from 2 submitters: Likely benign (1). 1 of the submissions does not count toward it. Last evaluated 2026-01-05.

Conditions:
NBAS-related disorder. Also called: NBAS-related condition.

Allele frequency attached by ClinVar (database versions not stated): ExAC 0.00006; TOPMed 0.00006.
gnomAD v4.1: 38 of 1,614,118 alleles (0.0024%); highest among the groups gnomAD compares: Admixed American, 0.05%; no homozygotes.

Submissions (2):

Labcorp Genetics (formerly Invitae), Labcorp
Classification: Likely benign. Last evaluated: 2026-01-05. Review status: criteria provided, single submitter. Criteria: Invitae Variant Classification Sherloc (09022015). Collection method: clinical testing. Allele origin: germline.

PreventionGenetics, part of Exact Sciences
Classification: Likely benign for NBAS-related condition. Last evaluated: 2022-11-04. Review status: no assertion criteria provided. Collection method: clinical testing. Allele origin: germline. Not counted in ClinVar's aggregate classification.
Comment: This variant is classified as likely benign based on ACMG/AMP sequence variant interpretation guidelines (Richards et al. 2015 PMID: 25741868, with internal and published modifications).

NM_015909.4(NBAS):c.7023C>T (p.Ala2341=)

Gene: NBAS (NBAS subunit of NRZ tethering complex; minus strand). Cytogenetic location: 2p24.3.
Variant type: single nucleotide variant.
Coding change: c.7023C>T on transcript NM_015909.4 (MANE Select); coding-DNA position 7023, C replaced by T.
Protein change: p.Ala2341=; no amino-acid change (alanine 2341 retained).
Molecular consequence: synonymous variant. On other transcripts: non-coding transcript variant (1).
Genome position (GRCh38, 1-based): chr2:15,167,141, G>A on the plus strand (C>T on the coding strand, the complement: NBAS is on the minus strand). VCF-style: chr2-15167141-G-A. GRCh37 (hg19) VCF-style: chr2-15307265-G-A.
Identifiers: ClinVar variation 738713 (VCV000738713.12), dbSNP rs139377604, ClinGen allele CA1534786.